The following is an entry in ClinVar:

NM_025009.5(CEP135):c.2305A>C (p.Ile769Leu)

Gene: CEP135 (centrosomal protein 135; plus strand). Cytogenetic location: 4q12.
Variant type: single nucleotide variant.
Coding change: c.2305A>C on transcript NM_025009.5 (MANE Select); coding-DNA position 2305, A replaced by C.
Protein change: p.Ile769Leu; replaces isoleucine 769 with leucine.
Molecular consequence: missense variant.
Genome position (GRCh38, 1-based): chr4:56,008,351, A>C. VCF-style: chr4-56008351-A-C. GRCh37 (hg19) VCF-style: chr4-56874517-A-C.
Other names: short protein forms I769L.
Identifiers: ClinVar variation 128696 (VCV000128696.21), dbSNP rs3214045, ClinGen allele CA152296.

ClinVar aggregate classification (germline): Benign. Review status: criteria provided, multiple submitters, no conflicts (2 of 4 stars). 6 submissions from 6 submitters: Benign (5). 1 of the submissions does not count toward it. Last evaluated 2026-02-03.

Allele frequency attached by ClinVar (database versions not stated): 1000 Genomes Project 0.13918; 1000 Genomes Project 30x 0.14038; TOPMed 0.18822; gnomAD 0.19968 and 0.20167; gnomAD exomes 0.20660 and 0.24666; ExAC 0.20946; ESP Exome Variant Server 0.21078.
gnomAD v4.1: 387,816 of 1,607,068 alleles (24%); highest among the groups gnomAD compares: Non-Finnish European, 27%; 49,515 homozygotes.

Submissions (6):

Labcorp Genetics (formerly Invitae), Labcorp
Classification: Benign. Last evaluated: 2026-02-03. Review status: criteria provided, single submitter. Criteria: Invitae Variant Classification Sherloc (09022015). Collection method: clinical testing. Allele origin: germline.

Blueprint Genetics
Classification: Benign. Last evaluated: 2024-11-26. Review status: criteria provided, single submitter. Criteria: ACMG Guidelines, 2015. Collection method: clinical testing. Allele origin: germline.

GeneDx
Classification: Benign. Last evaluated: 2018-07-31. Review status: criteria provided, single submitter. Criteria: GeneDx Variant Classification Process June 2021. Collection method: clinical testing. Allele origin: germline. Affected: yes.

Eurofins Ntd Llc (ga)
Classification: Benign. Last evaluated: 2015-08-31. Review status: criteria provided, single submitter. Criteria: EGL Classification Definitions 2015. Collection method: clinical testing. Allele origin: germline. Observed: 1 variant allele, 1 heterozygote.

Breakthrough Genomics
Classification: Benign. Review status: criteria provided, single submitter. Criteria: ACMG Guidelines, 2015. Collection method: not provided. Allele origin: germline. Inheritance: Autosomal recessive inheritance. Affected: yes.

Genetic Services Laboratory, University of Chicago
Classification: Likely benign for AllHighlyPenetrant. Review status: no assertion criteria provided. Collection method: clinical testing. Allele origin: germline. Inheritance: Autosomal recessive inheritance. Not counted in ClinVar's aggregate classification.
Comment: Likely benign based on allele frequency in 1000 Genomes Project or ESP global frequency and its presence in a patient with a rare or unrelated disease phenotype. NOT Sanger confirmed.